The following is an entry in ClinVar:

ClinVar aggregate classification (germline): Uncertain significance. Review status: criteria provided, multiple submitters, no conflicts (2 of 4 stars). 2 submissions from 2 submitters: Uncertain significance (2). Last evaluated 2022-07-12.

Allele frequency attached by ClinVar (database versions not stated): gnomAD 0.00001.
gnomAD v4.1: 14 of 1,613,824 alleles (0.00087%); highest among the groups gnomAD compares: Admixed American, 0.0083%; no homozygotes.

Submissions (2):

Labcorp Genetics (formerly Invitae), Labcorp
Classification: Uncertain significance. Last evaluated: 2022-07-12. Review status: criteria provided, single submitter. Criteria: Invitae Variant Classification Sherloc (09022015). Collection method: clinical testing. Allele origin: germline.
Comment: Algorithms developed to predict the effect of missense changes on protein structure and function are either unavailable or do not agree on the potential impact of this missense change (SIFT: "Deleterious"; PolyPhen-2: "Benign"; Align-GVGD: "Class C15"). In summary, the available evidence is currently insufficient to determine the role of this variant in disease. Therefore, it has been classified as a Variant of Uncertain Significance. ClinVar contains an entry for this variant (Variation ID: 1370533). This variant has not been reported in the literature in individuals affected with MERTK-related conditions. This variant is present in population databases (rs200644454, gnomAD 0.01%). This sequence change replaces aspartic acid, which is acidic and polar, with asparagine, which is neutral and polar, at codon 990 of the MERTK protein (p.Asp990Asn).

Blueprint Genetics
Classification: Uncertain significance. Last evaluated: 2020-08-13. Review status: criteria provided, single submitter. Criteria: ACMG Guidelines, 2015. Collection method: clinical testing. Allele origin: germline.

NM_006343.3(MERTK):c.2968G>A (p.Asp990Asn)

Gene: MERTK (MER proto-oncogene, tyrosine kinase; plus strand). Cytogenetic location: 2q13.
Variant type: single nucleotide variant.
Coding change: c.2968G>A on transcript NM_006343.3 (MANE Select); coding-DNA position 2968, G replaced by A.
Protein change: p.Asp990Asn; replaces aspartic acid 990 with asparagine.
Molecular consequence: missense variant.
Genome position (GRCh38, 1-based): chr2:112,028,832, G>A. VCF-style: chr2-112028832-G-A. GRCh37 (hg19) VCF-style: chr2-112786409-G-A.
Other names: short protein forms D990N.
Identifiers: ClinVar variation 1370533 (VCV001370533.5), dbSNP rs200644454, ClinGen allele CA1832006.